The following is an entry in ClinVar:

ClinVar aggregate classification (germline): Pathogenic. Review status: criteria provided, single submitter (1 of 4 stars). 2 submissions from 2 submitters: Pathogenic (1). 1 of the submissions does not count toward it. Last evaluated 2023-07-28.

Conditions:
Hypohidrotic X-linked ectodermal dysplasia (XHED). Also called: Ectodermal Dysplasia 1, Anhidrotic; Christ-Siemans-Touraine syndrome; ECTODERMAL DYSPLASIA, HYPOHIDROTIC, 1; CST SYNDROME; ECTODERMAL DYSPLASIA 1; Anhidrotic ectodermal dysplasia X-linked. Identifiers: Orphanet 181, Orphanet 238468, MedGen C0162359, MONDO:0010585, OMIM 305100.

Submissions (2):

Labcorp Genetics (formerly Invitae), Labcorp
Classification: Pathogenic for Hypohidrotic X-linked ectodermal dysplasia. Last evaluated: 2023-07-28. Review status: criteria provided, single submitter. Criteria: Invitae Variant Classification Sherloc (09022015). Collection method: clinical testing. Allele origin: germline.
Comment: ClinVar contains an entry for this variant (Variation ID: 11041). For these reasons, this variant has been classified as Pathogenic. This premature translational stop signal has been observed in individual(s) with ectodermal dysplasia (PMID: 9856856). This variant is not present in population databases (gnomAD no frequency). This sequence change creates a premature translational stop signal (p.Tyr61*) in the EDA gene. It is expected to result in an absent or disrupted protein product. Loss-of-function variants in EDA are known to be pathogenic (PMID: 9683615).

OMIM
Classification: Pathogenic for ECTODERMAL DYSPLASIA 1, HYPOHIDROTIC/HAIR/TOOTH TYPE, X-LINKED. Last evaluated: 1998-12-01. Review status: no assertion criteria provided. Collection method: literature only. Allele origin: germline. Not counted in ClinVar's aggregate classification.

Literature cited by the submitters: PubMed 9856856 (cited by Labcorp Genetics (formerly Invitae), Labcorp and OMIM); PubMed 9683615 (cited by Labcorp Genetics (formerly Invitae), Labcorp).

NM_001399.5(EDA):c.183C>G (p.Tyr61Ter)

Gene: EDA (ectodysplasin A; plus strand). Cytogenetic location: Xq13.1.
Variant type: single nucleotide variant.
Coding change: c.183C>G on transcript NM_001399.5 (MANE Select); coding-DNA position 183, C replaced by G.
Protein change: p.Tyr61Ter; replaces tyrosine 61 with a stop codon.
Molecular consequence: nonsense.
Genome position (GRCh38, 1-based): chrX:69,616,491, C>G. VCF-style: chrX-69616491-C-G. GRCh37 (hg19) VCF-style: chrX-68836335-C-G.
Other names: c.183C>G, p.Tyr61Ter (NM_001005609.2, NM_001005610.4, NM_001005612.3 and 1 more transcripts); short protein forms Y61*.
Identifiers: ClinVar variation 11041 (VCV000011041.5), dbSNP rs132630318, ClinGen allele CA255658.